The following is an entry in ClinVar:

NM_032242.4(PLXNA1):c.1853G>A (p.Arg618His)

Gene: PLXNA1 (plexin A1; plus strand). Cytogenetic location: 3q21.3.
Variant type: single nucleotide variant.
Coding change: c.1853G>A on transcript NM_032242.4 (MANE Select); coding-DNA position 1853, G replaced by A.
Protein change: p.Arg618His; replaces arginine 618 with histidine.
Molecular consequence: missense variant.
Genome position (GRCh38, 1-based): chr3:127,005,199, G>A. VCF-style: chr3-127005199-G-A. GRCh37 (hg19) VCF-style: chr3-126724042-G-A.
Other names: c.1853G>A (NM_032242.3); short protein forms R618H.
Identifiers: ClinVar variation 2043877 (VCV002043877.6), dbSNP rs116047844, ClinGen allele CA2593382.

ClinVar aggregate classification (germline): Likely benign. Review status: criteria provided, single submitter (1 of 4 stars). 2 submissions from 2 submitters: Likely benign (1). 1 of the submissions does not count toward it. Last evaluated 2025-08-04.

Conditions:
PLXNA1-related disorder. Also called: PLXNA1-related condition.

Allele frequency attached by ClinVar (database versions not stated): ExAC 0.00068; 1000 Genomes Project 0.00120; 1000 Genomes Project 30x 0.00141; gnomAD 0.00146; ESP Exome Variant Server 0.00154; TOPMed 0.00172.
gnomAD v4.1: 772 of 1,611,794 alleles (0.048%); highest among the groups gnomAD compares: African/African-American, 0.46%; 3 homozygotes.

Submissions (2):

Labcorp Genetics (formerly Invitae), Labcorp
Classification: Likely benign. Last evaluated: 2025-08-04. Review status: criteria provided, single submitter. Criteria: Invitae Variant Classification Sherloc (09022015). Collection method: clinical testing. Allele origin: germline.

PreventionGenetics, part of Exact Sciences
Classification: Likely benign for PLXNA1-related condition. Last evaluated: 2021-09-24. Review status: no assertion criteria provided. Collection method: clinical testing. Allele origin: germline. Not counted in ClinVar's aggregate classification.
Comment: This variant is classified as likely benign based on ACMG/AMP sequence variant interpretation guidelines (Richards et al. 2015 PMID: 25741868, with internal and published modifications).